The following is an entry in ClinVar:

ClinVar aggregate classification (germline): Uncertain significance. Review status: criteria provided, multiple submitters, no conflicts (2 of 4 stars). 2 submissions from 2 submitters: Uncertain significance (2). Last evaluated 2022-01-27.

Conditions:
Brugada syndrome 8 (BRGDA8). Identifiers: Orphanet 130, MedGen C2751083, MONDO:0013148, OMIM 613123.

gnomAD v4.1: 2 of 1,614,188 alleles (0.00012%); highest among the groups gnomAD compares: Non-Finnish European, 0.00017%; no homozygotes.

Submissions (2):

AiLife Diagnostics
Classification: Uncertain significance. Last evaluated: 2022-01-27. Review status: criteria provided, single submitter. Criteria: ACMG Guidelines, 2015. Collection method: clinical testing. Allele origin: germline. Affected: yes. Observed: 1 variant allele.

Labcorp Genetics (formerly Invitae), Labcorp
Classification: Uncertain significance for Brugada syndrome 8. Last evaluated: 2021-06-23. Review status: criteria provided, single submitter. Criteria: Invitae Variant Classification Sherloc (09022015). Collection method: clinical testing. Allele origin: germline.
Comment: In summary, the available evidence is currently insufficient to determine the role of this variant in disease. Therefore, it has been classified as a Variant of Uncertain Significance. Algorithms developed to predict the effect of missense changes on protein structure and function are either unavailable or do not agree on the potential impact of this missense change (SIFT: "Deleterious"; PolyPhen-2: "Not Available"; Align-GVGD: "Class C15"). This variant has not been reported in the literature in individuals with HCN4-related conditions. This variant is not present in population databases (ExAC no frequency). This sequence change replaces leucine with phenylalanine at codon 494 of the HCN4 protein (p.Leu494Phe). The leucine residue is highly conserved and there is a small physicochemical difference between leucine and phenylalanine.

NM_005477.3(HCN4):c.1480C>T (p.Leu494Phe)

Gene: HCN4 (hyperpolarization activated cyclic nucleotide gated potassium channel 4; minus strand). Cytogenetic location: 15q24.1.
Variant type: single nucleotide variant.
Coding change: c.1480C>T on transcript NM_005477.3 (MANE Select); coding-DNA position 1480, C replaced by T.
Protein change: p.Leu494Phe; replaces leucine 494 with phenylalanine.
Molecular consequence: missense variant.
Genome position (GRCh38, 1-based): chr15:73,329,683, G>A on the plus strand (C>T on the coding strand, the complement: HCN4 is on the minus strand). VCF-style: chr15-73329683-G-A. GRCh37 (hg19) VCF-style: chr15-73622024-G-A.
Other names: short protein forms L494F.
Identifiers: ClinVar variation 1363278 (VCV001363278.9), dbSNP rs2151217007, ClinGen allele CA393093780.